The following is an entry in ClinVar:

NM_002764.4(PRPS1):c.567T>G (p.Phe189Leu)

Gene: PRPS1 (phosphoribosyl pyrophosphate synthetase 1; plus strand). Cytogenetic location: Xq22.3.
Variant type: single nucleotide variant.
Coding change: c.567T>G on transcript NM_002764.4 (MANE Select); coding-DNA position 567, T replaced by G.
Protein change: p.Phe189Leu; replaces phenylalanine 189 with leucine.
Molecular consequence: missense variant. On other transcripts: 5 prime UTR variant (1).
Genome position (GRCh38, 1-based): chrX:107,645,213, T>G. VCF-style: chrX-107645213-T-G. GRCh37 (hg19) VCF-style: chrX-106888443-T-G.
Other names: c.-46T>G (NM_001204402.2); short protein forms F189L.
Identifiers: ClinVar variation 3777661 (VCV003777661.1).

ClinVar aggregate classification (germline): Uncertain significance (1 of 4 stars; one submission).

Submission:

GeneDx
Classification: Uncertain significance. Last evaluated: 2024-10-09. Review status: criteria provided, single submitter. Criteria: GeneDx Variant Classification Process June 2021. Collection method: clinical testing. Allele origin: germline. Affected: yes.
Comment: Not observed at significant frequency in large population cohorts (gnomAD); In silico analysis supports that this missense variant has a deleterious effect on protein structure/function; Has not been previously published as pathogenic or benign to our knowledge